The following is an entry in ClinVar:

NM_000038.6(APC):c.3430A>G (p.Ser1144Gly)

Gene: APC (APC regulator of Wnt signaling pathway; plus strand). Cytogenetic location: 5q22.2.
Variant type: single nucleotide variant.
Coding change: c.3430A>G on transcript NM_000038.6 (MANE Select); coding-DNA position 3430, A replaced by G.
Protein change: p.Ser1144Gly; replaces serine 1144 with glycine.
Molecular consequence: missense variant. On other transcripts: non-coding transcript variant (2).
Genome position (GRCh38, 1-based): chr5:112,839,024, A>G. VCF-style: chr5-112839024-A-G. GRCh37 (hg19) VCF-style: chr5-112174721-A-G.
Other names: c.3430A>G, p.Ser1144Gly (NM_001127510.3, NM_001354895.2, NM_001407450.1); c.3376A>G, p.Ser1126Gly (NM_001127511.3); c.3484A>G, p.Ser1162Gly (NM_001354896.2, NM_001407447.1, NM_001407448.1 and 1 more transcripts); c.3460A>G, p.Ser1154Gly (NM_001354897.2); c.3355A>G, p.Ser1119Gly (NM_001354898.2); c.3346A>G, p.Ser1116Gly (NM_001354899.2); c.3307A>G, p.Ser1103Gly (NM_001354900.2); c.3253A>G, p.Ser1085Gly (NM_001354901.2, NM_001407453.1); and 11 more; short protein forms S1043G, S1053G, S1061G, S1144G, S1154G, S861G, S984G, S1018G.
Identifiers: ClinVar variation 3008276 (VCV003008276.3), dbSNP rs2149891771, ClinGen allele CA16028851.

ClinVar aggregate classification (germline): Uncertain significance (1 of 4 stars; one submission).

Conditions:
Familial adenomatous polyposis 1 (FAP1). Also called: FAMILIAL ADENOMATOUS POLYPOSIS 1, ATTENUATED; POLYPOSIS, ADENOMATOUS INTESTINAL. Identifiers: MedGen C2713442, MONDO:0021056, OMIM 175100. Disease mechanism: loss of function.

Submission:

Labcorp Genetics (formerly Invitae), Labcorp
Classification: Uncertain significance for Familial adenomatous polyposis 1. Last evaluated: 2023-07-28. Review status: criteria provided, single submitter. Criteria: Invitae Variant Classification Sherloc (09022015). Collection method: clinical testing. Allele origin: germline.
Comment: In summary, the available evidence is currently insufficient to determine the role of this variant in disease. Therefore, it has been classified as a Variant of Uncertain Significance. Advanced modeling of protein sequence and biophysical properties (such as structural, functional, and spatial information, amino acid conservation, physicochemical variation, residue mobility, and thermodynamic stability) performed at Invitae indicates that this missense variant is not expected to disrupt APC protein function. This variant has not been reported in the literature in individuals affected with APC-related conditions. This variant is not present in population databases (gnomAD no frequency). This sequence change replaces serine, which is neutral and polar, with glycine, which is neutral and non-polar, at codon 1144 of the APC protein (p.Ser1144Gly).